The following is an entry in ClinVar:

NM_001278116.2(L1CAM):c.2051A>G (p.His684Arg)

Gene: L1CAM (L1 cell adhesion molecule; minus strand). Cytogenetic location: Xq28.
Variant type: single nucleotide variant.
Coding change: c.2051A>G on transcript NM_001278116.2 (MANE Select); coding-DNA position 2051, A replaced by G.
Protein change: p.His684Arg; replaces histidine 684 with arginine.
Molecular consequence: missense variant.
Genome position (GRCh38, 1-based): chrX:153,867,442, T>C on the plus strand (A>G on the coding strand, the complement: L1CAM is on the minus strand). VCF-style: chrX-153867442-T-C. GRCh37 (hg19) VCF-style: chrX-153132897-T-C.
Other names: c.2051A>G, p.His684Arg (NM_000425.5, NM_024003.3); c.2036A>G, p.His679Arg (NM_001143963.2); short protein forms H679R, H684R.
Identifiers: ClinVar variation 3363573 (VCV003363573.2).
Genomic context (GRCh38, chrX:153,867,442, plus strand): 5'-GAGACCGGGCTGGGCTCCCCGGGGCCATATTTGTTTATGGCAGTAACCCTAAAGGTGTAG[T>C]GGACATAGGGCGACAGCTTGAGGGTGGTAGAGGTCTGGTTCCCTGGAACCTTGCCCAGAC-3'
Protein context (NP_001265045.1, residues 674-694): STTLKLSPYV[His684Arg]YTFRVTAINK

ClinVar aggregate classification (germline): Uncertain significance (1 of 4 stars; one submission).

Submission:

GeneDx
Classification: Uncertain significance. Last evaluated: 2025-04-09. Review status: criteria provided, single submitter. Criteria: GeneDx Variant Classification Process June 2021. Collection method: clinical testing. Allele origin: germline.
Comment: Not observed at significant frequency in large population cohorts (gnomAD); In silico analysis indicates that this missense variant does not alter protein structure/function; Has not been previously published as pathogenic or benign to our knowledge; This variant is associated with the following publications: (PMID: 25641508)